The following is an entry in ClinVar:

NM_025114.4(CEP290):c.2207C>G (p.Ala736Gly)

Gene: CEP290 (centrosomal protein 290; minus strand). Cytogenetic location: 12q21.32.
Variant type: single nucleotide variant.
Coding change: c.2207C>G on transcript NM_025114.4 (MANE Select); coding-DNA position 2207, C replaced by G.
Protein change: p.Ala736Gly; replaces alanine 736 with glycine.
Molecular consequence: missense variant.
Genome position (GRCh38, 1-based): chr12:88,111,704, G>C on the plus strand (C>G on the coding strand, the complement: CEP290 is on the minus strand). VCF-style: chr12-88111704-G-C. GRCh37 (hg19) VCF-style: chr12-88505481-G-C.
Other names: short protein forms A736G.
Identifiers: ClinVar variation 4794326 (VCV004794326.2).
Genomic context (GRCh38, chr12:88,111,704, plus strand): 5'-AATCTACATTCTTATGTTTAGCATTTTCTTTTATTTAATAAAATTCTCACCTTTAAATTA[G>C]CTTTTGCCAACTGCTGTGAATAATTTATAGCCTCTTTCCGAGATTCCCTGAGCTCCTGTC-3'
Protein context (NP_079390.3, residues 726-746): AINYSQQLAK[Ala736Gly]NLKIDHLEKE

ClinVar aggregate classification (germline): Uncertain significance. Review status: criteria provided, multiple submitters, no conflicts (2 of 4 stars). 2 submissions from 2 submitters: Uncertain significance (2). Last evaluated 2025-12-15.

Conditions:
Meckel-Gruber syndrome. Also called: DYSENCEPHALIA SPLANCHNOCYSTICA; GRUBER SYNDROME; Dysencephalia splachnocystica. Identifiers: Orphanet 564, MedGen C0265215, MONDO:0018921.
Joubert syndrome. Also called: Familial aplasia of the vermis; JOUBERT-BOLTSHAUSER SYNDROME. Identifiers: Orphanet 475, MedGen C5979921, MONDO:0018772.
Nephronophthisis. Also called: Juvenile Nephronophthisis. Identifiers: Orphanet 655, MedGen C0687120, MONDO:0019005, HP:0000090.

gnomAD v4.1: 1 of 1,573,746 alleles (0.000064%); highest among the groups gnomAD compares: East Asian, 0.0024%; no homozygotes.

Submissions (2):

Labcorp Genetics (formerly Invitae), Labcorp
Classification: Uncertain significance for Joubert syndrome; Meckel-Gruber syndrome; Nephronophthisis. Last evaluated: 2025-12-15. Review status: criteria provided, single submitter. Criteria: Invitae Variant Classification Sherloc (09022015). Collection method: clinical testing. Allele origin: germline.
Comment: This sequence change replaces alanine, which is neutral and non-polar, with glycine, which is neutral and non-polar, at codon 736 of the CEP290 protein (p.Ala736Gly). This variant is present in population databases (no rsID available, gnomAD 0.007%). This missense change has been observed in individual(s) with CEP290-related conditions (PMID: 36990420). Invitae Evidence Modeling of protein sequence and biophysical properties (such as structural, functional, and spatial information, amino acid conservation, physicochemical variation, residue mobility, and thermodynamic stability) indicates that this missense variant is expected to disrupt CEP290 protein function with a positive predictive value of 80%. Algorithms developed to predict the effect of sequence changes on RNA splicing suggest that this variant may create or strengthen a splice site. In summary, the available evidence is currently insufficient to determine the role of this variant in disease. Therefore, it has been classified as a Variant of Uncertain Significance.

Blueprint Genetics
Classification: Uncertain significance. Last evaluated: 2022-08-26. Review status: criteria provided, single submitter. Criteria: ACMG Guidelines, 2015. Collection method: clinical testing. Allele origin: germline.

Literature cited by the submitters: PubMed 36990420 (cited by Labcorp Genetics (formerly Invitae), Labcorp).